The following is an entry in ClinVar:

ClinVar aggregate classification (germline): Pathogenic (1 of 4 stars; one submission).

Conditions:
Neuronal ceroid lipofuscinosis. Also called: Neuronal Ceroid Lipofuscinoses. Identifiers: Orphanet 216, Orphanet 79263, MedGen C0027877, MONDO:0016295. Disease mechanism: loss of function.

Submission:

Labcorp Genetics (formerly Invitae), Labcorp
Classification: Pathogenic for Neuronal ceroid lipofuscinosis. Last evaluated: 2026-01-14. Review status: criteria provided, single submitter. Criteria: Invitae Variant Classification Sherloc (09022015). Collection method: clinical testing. Allele origin: germline.
Comment: This sequence change creates a premature translational stop signal (p.Thr155Serfs*89) in the CTSD gene. It is expected to result in an absent or disrupted protein product. Loss-of-function variants in CTSD are known to be pathogenic (PMID: 16670177, 26059544). This variant is not present in population databases (gnomAD no frequency). This variant has not been reported in the literature in individuals affected with CTSD-related conditions. For these reasons, this variant has been classified as Pathogenic.

Literature cited by the submitters: PubMed 16670177; PubMed 26059544.

NM_001909.5(CTSD):c.464_465del (p.Thr155fs)

Gene: CTSD (cathepsin D; minus strand). Cytogenetic location: 11p15.5.
Variant type: Deletion.
Coding change: c.464_465del on transcript NM_001909.5 (MANE Select); coding-DNA positions 464 to 465, 2 bases deleted (CT; older notation c.464_465delCT).
Protein change: p.Thr155fs; shifts the reading frame from threonine 155.
Molecular consequence: frameshift variant.
Genome position (GRCh38, 1-based): chr11:1,758,975-1,758,976, AG deleted on the plus strand (CT on the coding strand, the reverse complement: CTSD is on the minus strand). VCF-style (leftmost placement, unchanged base first): chr11-1758974-CAG-C. GRCh37 (hg19) VCF-style: chr11-1780204-CAG-C.
Other names: short protein forms T155fs.
Identifiers: ClinVar variation 4735375 (VCV004735375.1).